The following is an entry in ClinVar:

ClinVar aggregate classification (germline): Likely benign (0 of 4 stars; one submission).

Conditions:
ANKFY1-related disorder. Also called: ANKFY1-related condition.

Allele frequency attached by ClinVar (database versions not stated): ExAC 0.00002; gnomAD 0.00003; TOPMed 0.00003; gnomAD exomes 0.00006.
gnomAD v4.1: 101 of 1,614,092 alleles (0.0063%); highest among the groups gnomAD compares: Non-Finnish European, 0.0074%; no homozygotes.

Submission:

PreventionGenetics, part of Exact Sciences
Classification: Likely benign for ANKFY1-related condition. Last evaluated: 2019-11-27. Review status: no assertion criteria provided. Collection method: clinical testing. Allele origin: germline.
Comment: This variant is classified as likely benign based on ACMG/AMP sequence variant interpretation guidelines (Richards et al. 2015 PMID: 25741868, with internal and published modifications).

NM_001330063.2(ANKFY1):c.1320A>C (p.Ala440=)

Gene: ANKFY1 (ankyrin repeat and FYVE domain containing 1; minus strand). Cytogenetic location: 17p13.2.
Variant type: single nucleotide variant.
Coding change: c.1320A>C on transcript NM_001330063.2 (MANE Select); coding-DNA position 1320, A replaced by C.
Protein change: p.Ala440=; no amino-acid change (alanine 440 retained).
Molecular consequence: synonymous variant. On other transcripts: non-coding transcript variant (1).
Genome position (GRCh38, 1-based): chr17:4,195,030, T>G on the plus strand (A>C on the coding strand, the complement: ANKFY1 is on the minus strand). VCF-style: chr17-4195030-T-G. GRCh37 (hg19) VCF-style: chr17-4098325-T-G.
Other names: c.1446A>C, p.Ala482= (NM_001257999.3); c.1320A>C, p.Ala440= (NM_016376.5).
Identifiers: ClinVar variation 3048693 (VCV003048693.2), dbSNP rs759008573, ClinGen allele CA8301497.